The following is an entry in ClinVar:

ClinVar aggregate classification (germline): Uncertain significance. Review status: criteria provided, multiple submitters, no conflicts (2 of 4 stars). 5 submissions from 5 submitters: Uncertain significance (5). Last evaluated 2024-03-27.

Conditions:
Pheochromocytoma/paraganglioma syndrome 3. Also called: SDHC-Related Hereditary Paraganglioma-Pheochromocytoma Syndrome (Paragangliomas 3); SDHC-Related Hereditary Paraganglioma-Pheochromocytoma Syndrome; GLOMUS TUMORS, FAMILIAL, 3; Paragangliomas 3. Identifiers: Orphanet 29072, MedGen C1854336, MONDO:0011544, OMIM 605373.
Gastrointestinal stromal tumor. Also called: Gastrointestinal stromal tumor, somatic; Gastrointestinal stroma tumor. Identifiers: Orphanet 44890, MedGen C0238198, MeSH D046152, MONDO:0011719, OMIM 606764, HP:0100723.

Submissions (5):

Molecular Pathology, Peter Maccallum Cancer Centre
Classification: Uncertain significance for Pheochromocytoma/paraganglioma syndrome 3. Last evaluated: 2024-03-27. Review status: criteria provided, single submitter. Criteria: ACMG Guidelines, 2015. Collection method: clinical testing. Allele origin: germline. Inheritance: Autosomal dominant inheritance.

Clinical Genetics Laboratory, Skane University Hospital Lund
Classification: Uncertain significance. Last evaluated: 2023-08-16. Review status: criteria provided, single submitter. Criteria: ACMG Guidelines, 2015. Collection method: clinical testing. Allele origin: germline. Affected: yes.

Revvity Omics, Revvity
Classification: Uncertain significance. Last evaluated: 2023-03-08. Review status: criteria provided, single submitter. Criteria: ACMG Guidelines, 2015. Collection method: clinical testing. Allele origin: germline.

Labcorp Genetics (formerly Invitae), Labcorp
Classification: Uncertain significance for Pheochromocytoma/paraganglioma syndrome 3; Gastrointestinal stromal tumor. Last evaluated: 2022-10-01. Review status: criteria provided, single submitter. Criteria: Invitae Variant Classification Sherloc (09022015). Collection method: clinical testing. Allele origin: germline.
Comment: This sequence change replaces leucine, which is neutral and non-polar, with proline, which is neutral and non-polar, at codon 158 of the SDHC protein (p.Leu158Pro). This missense change has been observed in individual(s) with paraganglioma (PMID: 12807974, 30877234). This variant is not present in population databases (gnomAD no frequency). In summary, the available evidence is currently insufficient to determine the role of this variant in disease. Therefore, it has been classified as a Variant of Uncertain Significance. Advanced modeling of protein sequence and biophysical properties (such as structural, functional, and spatial information, amino acid conservation, physicochemical variation, residue mobility, and thermodynamic stability) performed at Invitae indicates that this missense variant is expected to disrupt SDHC protein function.

Genetics and Molecular Pathology, SA Pathology
Classification: Uncertain significance for Pheochromocytoma/paraganglioma syndrome 3. Last evaluated: 2022-01-10. Review status: criteria provided, single submitter. Criteria: ACMG Guidelines, 2015. Collection method: clinical testing. Allele origin: germline. Inheritance: Autosomal dominant inheritance. Affected: yes.
Comment: The heterozygous variant c.473T>C detected in exon 6 of the SDHC gene is a missense change resulting in an amino acid substitution from a Leucine to a Proline at codon 158, p.(Leu158Pro). This variant occurs at a moderately conserved amino acid within the Succinate dehydrogenase/Fumarate reductase transmembrane subunit domain. This variant is recorded 3 times in the LOVD database as of uncertain significance, but has not been reported in ClinVar. This variant was identified in individuals with paraganglioma (Burnichon et al, J Clin Endocrinol Metab (2009) 94(8):2817-27 and Bauters et al, J Med Genet (2003) 40(6): e75). No other missense changes at this codon are recorded in ClinVar. This variant has not been observed in population database (gnomAD). In silico protein prediction programs (REVEL, AGVGD, SIFT and PolyPhen2) are inconsistent regarding the effect of this variant on protein structure and function. Based on current knowledge, this is a variant of uncertain significance (Class 3) and predictive testing is not available.

Literature cited by the submitters: PubMed 12807974 (cited by Labcorp Genetics (formerly Invitae), Labcorp); PubMed 30877234 (cited by Labcorp Genetics (formerly Invitae), Labcorp).

NM_003001.5(SDHC):c.473T>C (p.Leu158Pro)

Gene: SDHC (succinate dehydrogenase complex subunit C; plus strand). Cytogenetic location: 1q23.3.
Variant type: single nucleotide variant.
Coding change: c.473T>C on transcript NM_003001.5 (MANE Select); coding-DNA position 473, T replaced by C.
Protein change: p.Leu158Pro; replaces leucine 158 with proline.
Molecular consequence: missense variant. On other transcripts: synonymous variant (3), non-coding transcript variant (1).
Genome position (GRCh38, 1-based): chr1:161,362,396, T>C. VCF-style: chr1-161362396-T-C. GRCh37 (hg19) VCF-style: chr1-161332186-T-C.
Other names: c.309T>C, p.Ser103= (NM_001035511.3); c.371T>C, p.Leu124Pro (NM_001035512.3); c.314T>C, p.Leu105Pro (NM_001035513.3); c.207T>C, p.Ser69= (NM_001278172.3); c.593T>C, p.Leu198Pro (NM_001407115.1); c.416T>C, p.Leu139Pro (NM_001407116.1); c.410T>C, p.Leu137Pro (NM_001407117.1); c.365T>C, p.Leu122Pro (NM_001407118.1); and 2 more; short protein forms L105P, L121P, L122P, L124P, L137P, L139P, L158P, L198P.
Identifiers: ClinVar variation 1803145 (VCV001803145.10), dbSNP rs2102385649, ClinGen allele CA343457860.